The following is an entry in ClinVar:

NM_177398.4(LMX1A):c.972C>A (p.Asp324Glu)

Genes: LMX1A (LIM homeobox transcription factor 1 alpha; minus strand), LMX1A-AS2 (LMX1A antisense RNA 2; plus strand). Cytogenetic location: 1q23.3.
Variant type: single nucleotide variant.
Coding change: c.972C>A on transcript NM_177398.4 (MANE Select); coding-DNA position 972, C replaced by A.
Protein change: p.Asp324Glu; replaces aspartic acid 324 with glutamic acid.
Molecular consequence: missense variant.
Genome position (GRCh38, 1-based): chr1:165,205,880, G>T on the plus strand (C>A on the coding strand, the complement: LMX1A is on the minus strand). VCF-style: chr1-165205880-G-T. GRCh37 (hg19) VCF-style: chr1-165175117-G-T.
Other names: c.972C>A, p.Asp324Glu (NM_001174069.2); short protein forms D324E.
Identifiers: ClinVar variation 3899500 (VCV003899500.2).

ClinVar aggregate classification (germline): Uncertain significance. Review status: criteria provided, multiple submitters, no conflicts (2 of 4 stars). 2 submissions from 2 submitters: Uncertain significance (2). Last evaluated 2022-10-15.

gnomAD v4.1: 19 of 1,614,000 alleles (0.0012%); highest among the groups gnomAD compares: Admixed American, 0.032%; no homozygotes.

Submissions (2):

Blueprint Genetics
Classification: Uncertain significance. Last evaluated: 2022-10-15. Review status: criteria provided, single submitter. Criteria: ACMG Guidelines, 2015. Collection method: clinical testing. Allele origin: germline.

GeneDx
Classification: Uncertain significance. Last evaluated: 2022-01-20. Review status: criteria provided, single submitter. Criteria: GeneDx Variant Classification Process June 2021. Collection method: clinical testing. Allele origin: germline. Affected: yes.
Comment: In silico analysis supports that this missense variant does not alter protein structure/function; Has not been previously published as pathogenic or benign to our knowledge; Variants in candidate genes are classified as variants of uncertain significance in accordance with ACMG guidelines (Richards et al., 2015)